The following is an entry in ClinVar:

ClinVar aggregate classification (germline): Pathogenic/Likely pathogenic. Review status: criteria provided, multiple submitters, no conflicts (2 of 4 stars). 2 submissions from 2 submitters: Pathogenic (1); Likely pathogenic (1). Last evaluated 2022-12-20.

Conditions:
Early-infantile DEE. Also called: Ohtahara syndrome; Early infantile epileptic encephalopathy; Early infantile epileptic encephalopathy with suppression bursts. Identifiers: Orphanet 1934, MedGen C0393706, MONDO:0800491.

Submissions (2):

GeneDx
Classification: Likely pathogenic. Last evaluated: 2022-12-20. Review status: criteria provided, single submitter. Criteria: GeneDx Variant Classification Process June 2021. Collection method: clinical testing. Allele origin: germline. Affected: yes.
Comment: Not observed at significant frequency in large population cohorts (gnomAD); In silico analysis supports that this missense variant has a deleterious effect on protein structure/function; Missense variants in this gene are often considered pathogenic (HGMD); This variant is associated with the following publications: (PMID: 24077912, 35325842, Chen[thesis]2016)

Labcorp Genetics (formerly Invitae), Labcorp
Classification: Pathogenic for Early-infantile DEE. Last evaluated: 2022-11-19. Review status: criteria provided, single submitter. Criteria: Invitae Variant Classification Sherloc (09022015). Collection method: clinical testing. Allele origin: germline.
Comment: For these reasons, this variant has been classified as Pathogenic. This variant disrupts the p.Arg223 amino acid residue in SCN8A. Other variant(s) that disrupt this residue have been determined to be pathogenic (PMID: 25239001). This suggests that this residue is clinically significant, and that variants that disrupt this residue are likely to be disease-causing. Advanced modeling of protein sequence and biophysical properties (such as structural, functional, and spatial information, amino acid conservation, physicochemical variation, residue mobility, and thermodynamic stability) performed at Invitae indicates that this missense variant is expected to disrupt SCN8A protein function. ClinVar contains an entry for this variant (Variation ID: 665356). This missense change has been observed in individual(s) with SCN8A-related conditions and/or West syndrome (PMID: 29933521; Invitae). In at least one individual the variant was observed to be de novo. This variant is not present in population databases (gnomAD no frequency). This sequence change replaces arginine, which is basic and polar, with serine, which is neutral and polar, at codon 223 of the SCN8A protein (p.Arg223Ser).

Literature cited by the submitters: PubMed 25239001 (cited by Labcorp Genetics (formerly Invitae), Labcorp); PubMed 29933521 (cited by Labcorp Genetics (formerly Invitae), Labcorp).

NM_014191.4(SCN8A):c.669G>T (p.Arg223Ser)

Gene: SCN8A (sodium voltage-gated channel alpha subunit 8; plus strand). Cytogenetic location: 12q13.13.
Variant type: single nucleotide variant.
Coding change: c.669G>T on transcript NM_014191.4 (MANE Plus Clinical); coding-DNA position 669, G replaced by T.
Protein change: p.Arg223Ser; replaces arginine 223 with serine.
Molecular consequence: missense variant. On other transcripts: intron variant (2).
Genome position (GRCh38, 1-based): chr12:51,688,812, G>T. VCF-style: chr12-51688812-G-T. GRCh37 (hg19) VCF-style: chr12-52082596-G-T.
Other names: c.669G>T, p.Arg223Ser (NM_001177984.3); c.615-193G>T (NM_001330260.2, NM_001369788.1); short protein forms R223S.
Identifiers: ClinVar variation 665356 (VCV000665356.10), dbSNP rs1592380672, ClinGen allele CA385223979.
Genomic context (GRCh38, chr12:51,688,812, plus strand): 5'-CTGCAGGTATATAACAGAGTTTGTAAACCTAGGCAATGTTTCAGCTCTACGCACTTTCAG[G>T]GTACTGAGGGCTTTGAAAACTATTTCGGTAATCCCAGGTAAGATGGTCCGGGGTTGGTGT-3'
Protein context (NP_055006.1, residues 213-233): LGNVSALRTF[Arg223Ser]VLRALKTISV